The following is an entry in ClinVar:

ClinVar aggregate classification (germline): Pathogenic (1 of 4 stars; one submission).

Submission:

Labcorp Genetics (formerly Invitae), Labcorp
Classification: Pathogenic. Last evaluated: 2021-09-25. Review status: criteria provided, single submitter. Criteria: Invitae Variant Classification Sherloc (09022015). Collection method: clinical testing. Allele origin: germline.
Comment: For these reasons, this variant has been classified as Pathogenic. This variant has not been reported in the literature in individuals affected with RPL15-related conditions. This variant is not present in population databases (ExAC no frequency). This sequence change creates a premature translational stop signal (p.Arg71*) in the RPL15 gene. It is expected to result in an absent or disrupted protein product. Loss-of-function variants in RPL15 are known to be pathogenic (PMID: 29599205).

Literature cited by the submitters: PubMed 29599205.

NM_002948.5(RPL15):c.211C>T (p.Arg71Ter)

Genes: NKIRAS1 (NFKB inhibitor interacting Ras like 1; minus strand), RPL15 (ribosomal protein L15; plus strand). Cytogenetic location: 3p24.2.
Variant type: single nucleotide variant.
Coding change: c.211C>T on transcript NM_002948.5 (MANE Select); coding-DNA position 211, C replaced by T.
Protein change: p.Arg71Ter; replaces arginine 71 with a stop codon.
Molecular consequence: nonsense. On other transcripts: intron variant (1).
Genome position (GRCh38, 1-based): chr3:23,918,478, C>T. VCF-style: chr3-23918478-C-T. GRCh37 (hg19) VCF-style: chr3-23959969-C-T.
Other names: c.211C>T, p.Arg71Ter (NM_001253379.2, NM_001253380.2, NM_001253382.2 and 2 more transcripts); c.-139-7028G>A (NM_001377380.1); short protein forms R71*.
Identifiers: ClinVar variation 1380966 (VCV001380966.7), dbSNP rs2125253315, ClinGen allele CA351881624.